The following is an entry in ClinVar:

ClinVar aggregate classification (germline): Uncertain significance (1 of 4 stars; one submission).

Submission:

Labcorp Genetics (formerly Invitae), Labcorp
Classification: Uncertain significance. Last evaluated: 2023-11-27. Review status: criteria provided, single submitter. Criteria: Invitae Variant Classification Sherloc (09022015). Collection method: clinical testing. Allele origin: germline.
Comment: This sequence change falls in intron 4 of the RHO gene. It does not directly change the encoded amino acid sequence of the RHO protein. This variant is not present in population databases (gnomAD no frequency). This variant has not been reported in the literature in individuals affected with RHO-related conditions. ClinVar contains an entry for this variant (Variation ID: 968794). Algorithms developed to predict the effect of sequence changes on RNA splicing suggest that this variant may disrupt the consensus splice site. In summary, the available evidence is currently insufficient to determine the role of this variant in disease. Therefore, it has been classified as a Variant of Uncertain Significance.

NM_000539.3(RHO):c.937-10T>A

Gene: RHO (rhodopsin; plus strand). Cytogenetic location: 3q22.1.
Variant type: single nucleotide variant.
Coding change: c.937-10T>A on transcript NM_000539.3 (MANE Select); 10 bases into the intron before coding-DNA position 937, T replaced by A.
Molecular consequence: intron variant.
Genome position (GRCh38, 1-based): chr3:129,533,598, T>A. VCF-style: chr3-129533598-T-A. GRCh37 (hg19) VCF-style: chr3-129252441-T-A.
Identifiers: ClinVar variation 968794 (VCV000968794.10), dbSNP rs750473517, ClinGen allele CA1139655835.